The following is an entry in ClinVar:

ClinVar aggregate classification (germline): Uncertain significance (1 of 4 stars; one submission).

Allele frequency attached by ClinVar (database versions not stated): ESP Exome Variant Server 0.00031.

Submission:

Labcorp Genetics (formerly Invitae), Labcorp
Classification: Uncertain significance. Last evaluated: 2025-05-02. Review status: criteria provided, single submitter. Criteria: Invitae Variant Classification Sherloc (09022015). Collection method: clinical testing. Allele origin: germline.
Comment: This sequence change replaces isoleucine, which is neutral and non-polar, with arginine, which is basic and polar, at codon 99 of the REST protein (p.Ile99Arg). This variant is present in population databases (rs141631518, gnomAD 0.05%). This variant has not been reported in the literature in individuals affected with REST-related conditions. ClinVar contains an entry for this variant (Variation ID: 2883823). An algorithm developed to predict the effect of missense changes on protein structure and function (PolyPhen-2) suggests that this variant is likely to be disruptive. In summary, the available evidence is currently insufficient to determine the role of this variant in disease. Therefore, it has been classified as a Variant of Uncertain Significance.

NM_005612.5(REST):c.296T>G (p.Ile99Arg)

Gene: REST (RE1 silencing transcription factor; plus strand). Cytogenetic location: 4q12.
Variant type: single nucleotide variant.
Coding change: c.296T>G on transcript NM_005612.5 (MANE Select); coding-DNA position 296, T replaced by G.
Protein change: p.Ile99Arg; replaces isoleucine 99 with arginine.
Molecular consequence: missense variant.
Genome position (GRCh38, 1-based): chr4:56,910,934, T>G. VCF-style: chr4-56910934-T-G. GRCh37 (hg19) VCF-style: chr4-57777100-T-G.
Other names: c.296T>G, p.Ile99Arg (NM_001193508.2, NM_001363453.3); short protein forms I99R.
Identifiers: ClinVar variation 2883823 (VCV002883823.3), dbSNP rs141631518, ClinGen allele CA2932072.
Genomic context (GRCh38, chr4:56,910,934, plus strand): 5'-TTGGGGATAACAACTTTTCAGATAGTGAAGAAGGAGAAGGACTTGAAGAGTCTGCTGATA[T>G]AAAAGGTGAACCTCATGGACTGGAAAACATGGAACTGAGAAGTTTGGAACTCAGCGTCGT-3'
Protein context (NP_005603.3, residues 89-109): EGEGLEESAD[Ile99Arg]KGEPHGLENM